The following is an entry in ClinVar:

NM_182925.5(FLT4):c.2346C>T (p.Thr782=)

Genes: FLT4 (fms related receptor tyrosine kinase 4; minus strand), LOC126807632 (CDK7 strongly-dependent group 2 enhancer GRCh37_chr5:180046831-180048030; plus strand). Cytogenetic location: 5q35.3.
Variant type: single nucleotide variant.
Coding change: c.2346C>T on transcript NM_182925.5 (MANE Select); coding-DNA position 2346, C replaced by T.
Protein change: p.Thr782=; no amino-acid change (threonine 782 retained).
Molecular consequence: synonymous variant.
Genome position (GRCh38, 1-based): chr5:180,620,669, G>A on the plus strand (C>T on the coding strand, the complement: FLT4 is on the minus strand). VCF-style: chr5-180620669-G-A. GRCh37 (hg19) VCF-style: chr5-180047669-G-A.
Other names: c.2346C>T, p.Thr782= (NM_001354989.2, NM_002020.5).
Identifiers: ClinVar variation 3053982 (VCV003053982.2), dbSNP rs200449328, ClinGen allele CA3606374.

ClinVar aggregate classification (germline): Likely benign (0 of 4 stars; one submission).

Conditions:
FLT4-related disorder. Also called: FLT4-related condition.

gnomAD v4.1: 38 of 1,613,540 alleles (0.0024%); highest among the groups gnomAD compares: South Asian, 0.034%; no homozygotes.

Submission:

PreventionGenetics, part of Exact Sciences
Classification: Likely benign for FLT4-related condition. Last evaluated: 2022-06-09. Review status: no assertion criteria provided. Collection method: clinical testing. Allele origin: germline.
Comment: This variant is classified as likely benign based on ACMG/AMP sequence variant interpretation guidelines (Richards et al. 2015 PMID: 25741868, with internal and published modifications).